The following is an entry in ClinVar:

NM_001370785.2(LRRC7):c.1173C>G (p.Arg391=)

Gene: LRRC7 (leucine rich repeat containing 7; plus strand). Cytogenetic location: 1p31.1.
Variant type: single nucleotide variant.
Coding change: c.1173C>G on transcript NM_001370785.2 (MANE Select); coding-DNA position 1173, C replaced by G.
Protein change: p.Arg391=; no amino-acid change (arginine 391 retained).
Molecular consequence: synonymous variant.
Genome position (GRCh38, 1-based): chr1:70,013,012, C>G. VCF-style: chr1-70013012-C-G. GRCh37 (hg19) VCF-style: chr1-70478695-C-G.
Other names: c.1074C>G, p.Arg358= (NM_001330635.3, NM_001366839.3, NM_001366841.1); c.1176C>G, p.Arg392= (NM_001350216.3); c.1173C>G, p.Arg391= (NM_001366838.3).
Identifiers: ClinVar variation 4533835 (VCV004533835.6).
Genomic context (GRCh38, chr1:70,013,012, plus strand): 5'-TATTTTCTTTTGTTACCTACAGATTGGAAGTTGTAAGAATGTAACAGTCATGTCTCTACG[C>G]TCCAACAAATTAGAATTTCTTCCTGAAGAGATTGGACAGATGCAGAAACTAAGAGTCCTA-3'
Protein context (NP_001357714.1, residues 381-401): SCKNVTVMSL[Arg391=]SNKLEFLPEE

ClinVar aggregate classification (germline): Likely benign (1 of 4 stars; one submission).

gnomAD v4.1: 1,491 of 1,585,046 alleles (0.094%); highest among the groups gnomAD compares: Non-Finnish European, 0.12%; 1 homozygote.

Submission:

CeGaT Center for Human Genetics Tuebingen
Classification: Likely benign. Last evaluated: 2025-11-01. Review status: criteria provided, single submitter. Criteria: CeGaT Center For Human Genetics Tuebingen Variant Classification Criteria Version 2. Collection method: clinical testing. Allele origin: germline. Affected: yes. Observed: 1 variant allele.
Comment: LRRC7: BP4, BP7